The following is an entry in ClinVar:

ClinVar aggregate classification (germline): Benign. Review status: criteria provided, single submitter (1 of 4 stars). 2 submissions from 2 submitters: Benign (1). 1 of the submissions does not count toward it. Last evaluated 2017-12-14.

Conditions:
VANGL2-related disorder. Also called: VANGL2-related condition.

Allele frequency attached by ClinVar (database versions not stated): gnomAD 0.00031 and 0.00037; TOPMed 0.00070; ExAC 0.00085; 1000 Genomes Project 30x 0.00141; 1000 Genomes Project 0.00160.

Submissions (2):

Labcorp Genetics (formerly Invitae), Labcorp
Classification: Benign. Last evaluated: 2017-12-14. Review status: criteria provided, single submitter. Criteria: Invitae Variant Classification Sherloc (09022015). Collection method: clinical testing. Allele origin: germline.

PreventionGenetics, part of Exact Sciences
Classification: Likely benign for VANGL2-related condition. Last evaluated: 2019-03-29. Review status: no assertion criteria provided. Collection method: clinical testing. Allele origin: germline. Not counted in ClinVar's aggregate classification.
Comment: This variant is classified as likely benign based on ACMG/AMP sequence variant interpretation guidelines (Richards et al. 2015 PMID: 25741868, with internal and published modifications).

NM_020335.3(VANGL2):c.1328C>T (p.Ala443Val)

Gene: VANGL2 (VANGL planar cell polarity protein 2; plus strand). Cytogenetic location: 1q23.2.
Variant type: single nucleotide variant.
Coding change: c.1328C>T on transcript NM_020335.3 (MANE Select); coding-DNA position 1328, C replaced by T.
Protein change: p.Ala443Val; replaces alanine 443 with valine.
Molecular consequence: missense variant.
Genome position (GRCh38, 1-based): chr1:160,425,140, C>T. VCF-style: chr1-160425140-C-T. GRCh37 (hg19) VCF-style: chr1-160394930-C-T.
Other names: short protein forms A443V.
Identifiers: ClinVar variation 729599 (VCV000729599.5), dbSNP rs199649451, ClinGen allele CA1199672.